The following is an entry in ClinVar:

NM_000540.3(RYR1):c.4691A>C (p.Glu1564Ala)

Gene: RYR1 (ryanodine receptor 1; plus strand). Cytogenetic location: 19q13.2.
Variant type: single nucleotide variant.
Coding change: c.4691A>C on transcript NM_000540.3 (MANE Select); coding-DNA position 4691, A replaced by C.
Protein change: p.Glu1564Ala; replaces glutamic acid 1564 with alanine.
Molecular consequence: missense variant.
Genome position (GRCh38, 1-based): chr19:38,483,097, A>C. VCF-style: chr19-38483097-A-C. GRCh37 (hg19) VCF-style: chr19-38973737-A-C.
Other names: c.4691A>C, p.Glu1564Ala (NM_001042723.2); short protein forms E1564A.
Identifiers: ClinVar variation 2847089 (VCV002847089.3), dbSNP rs2514211125, ClinGen allele CA405649552.

ClinVar aggregate classification (germline): Uncertain significance (1 of 4 stars; one submission).

Conditions:
RYR1-related disorder. Also called: RYR1-related condition; RYR1-related disorders. Identifiers: MedGen CN239331.

Submission:

Labcorp Genetics (formerly Invitae), Labcorp
Classification: Uncertain significance for RYR1-related disorder. Last evaluated: 2023-03-18. Review status: criteria provided, single submitter. Criteria: Invitae Variant Classification Sherloc (09022015). Collection method: clinical testing. Allele origin: germline.
Comment: This variant has not been reported in the literature in individuals affected with RYR1-related conditions. This variant is not present in population databases (gnomAD no frequency). This sequence change replaces glutamic acid, which is acidic and polar, with alanine, which is neutral and non-polar, at codon 1564 of the RYR1 protein (p.Glu1564Ala). In summary, the available evidence is currently insufficient to determine the role of this variant in disease. Therefore, it has been classified as a Variant of Uncertain Significance. Advanced modeling of protein sequence and biophysical properties (such as structural, functional, and spatial information, amino acid conservation, physicochemical variation, residue mobility, and thermodynamic stability) has been performed at Invitae for this missense variant, however the output from this modeling did not meet the statistical confidence thresholds required to predict the impact of this variant on RYR1 protein function.